The following is an entry in ClinVar:

NM_004656.4(BAP1):c.606G>A (p.Trp202Ter)

Gene: BAP1 (BRCA1 associated deubiquitinase 1; minus strand). Cytogenetic location: 3p21.1.
Variant type: single nucleotide variant.
Coding change: c.606G>A on transcript NM_004656.4 (MANE Select); coding-DNA position 606, G replaced by A.
Protein change: p.Trp202Ter; replaces tryptophan 202 with a stop codon.
Molecular consequence: nonsense.
Genome position (GRCh38, 1-based): chr3:52,406,882, C>T on the plus strand (G>A on the coding strand, the complement: BAP1 is on the minus strand). VCF-style: chr3-52406882-C-T. GRCh37 (hg19) VCF-style: chr3-52440898-C-T.
Other names: c.606G>A, p.Trp202Ter (NM_001410772.1); short protein forms W202*.
Identifiers: ClinVar variation 2816363 (VCV002816363.3), dbSNP rs868339867, ClinGen allele CA353109062.

ClinVar aggregate classification (germline): Pathogenic (1 of 4 stars; one submission).

Conditions:
BAP1-related tumor predisposition syndrome (TPDS1). Also called: COMMON Syndrome; TUMOR PREDISPOSITION SYNDROME 1; Tumor susceptibility linked to germline BAP1 mutations; BAP1 tumor predisposition syndrome. Identifiers: Orphanet 289539, MedGen C3280492, MONDO:0013692, OMIM 614327.

Submission:

Labcorp Genetics (formerly Invitae), Labcorp
Classification: Pathogenic for BAP1-related tumor predisposition syndrome. Last evaluated: 2025-09-24. Review status: criteria provided, single submitter. Criteria: Invitae Variant Classification Sherloc (09022015). Collection method: clinical testing. Allele origin: germline.
Comment: This sequence change creates a premature translational stop signal (p.Trp202*) in the BAP1 gene. It is expected to result in an absent or disrupted protein product. Loss-of-function variants in BAP1 are known to be pathogenic (PMID: 21874000, 23684012). This variant is not present in population databases (gnomAD no frequency). This premature translational stop signal has been observed in individual(s) with a family history of uveal melanoma and renal cancer (PMID: 28560743). ClinVar contains an entry for this variant (Variation ID: 2816363). For these reasons, this variant has been classified as Pathogenic.

Literature cited by the submitters: PubMed 21874000; PubMed 23684012; PubMed 28560743.